The following is an entry in ClinVar:

NM_000507.4(FBP1):c.472C>T (p.Arg158Trp)

Gene: FBP1 (fructose-bisphosphatase 1; minus strand). Cytogenetic location: 9q22.32.
Variant type: single nucleotide variant.
Coding change: c.472C>T on transcript NM_000507.4 (MANE Select); coding-DNA position 472, C replaced by T.
Protein change: p.Arg158Trp; replaces arginine 158 with tryptophan.
Molecular consequence: missense variant.
Genome position (GRCh38, 1-based): chr9:94,610,016, G>A on the plus strand (C>T on the coding strand, the complement: FBP1 is on the minus strand). VCF-style: chr9-94610016-G-A. GRCh37 (hg19) VCF-style: chr9-97372298-G-A.
Other names: c.472C>T, p.Arg158Trp (NM_001127628.2); short protein forms R158W.
Identifiers: ClinVar variation 561988 (VCV000561988.11), dbSNP rs766005419, ClinGen allele CA5136220.

ClinVar aggregate classification (germline): Pathogenic. Review status: criteria provided, multiple submitters, no conflicts (2 of 4 stars). 7 submissions from 7 submitters: Pathogenic (7). Last evaluated 2024-10-03.

Conditions:
Fructose-biphosphatase deficiency (FBP1D). Also called: Fructose-1,6-Bisphosphatase 1 Deficiency; Fructose 1,6 Bisphosphatase Deficiency; Fructose-1,6-Diphosphatase Deficiency. Identifiers: Orphanet 348, MedGen C0016756, MONDO:0009251, OMIM 229700.

Allele frequency attached by ClinVar (database versions not stated): TOPMed 0.00003; ExAC 0.00004; gnomAD 0.00002; gnomAD exomes 0.00003.
gnomAD v4.1: 58 of 1,613,756 alleles (0.0036%); highest among the groups gnomAD compares: South Asian, 0.024%; no homozygotes.

Submissions (7):

Labcorp Genetics (formerly Invitae), Labcorp
Classification: Pathogenic for Fructose-biphosphatase deficiency. Last evaluated: 2024-10-03. Review status: criteria provided, single submitter. Criteria: Invitae Variant Classification Sherloc (09022015). Collection method: clinical testing. Allele origin: germline.
Comment: This sequence change replaces arginine, which is basic and polar, with tryptophan, which is neutral and slightly polar, at codon 158 of the FBP1 protein (p.Arg158Trp). This variant is present in population databases (rs766005419, gnomAD 0.02%). This missense change has been observed in individual(s) with fructose-1,6-bisphosphatase deficiency (PMID: 25601412, 29203193, 29774539). ClinVar contains an entry for this variant (Variation ID: 561988). Invitae Evidence Modeling of protein sequence and biophysical properties (such as structural, functional, and spatial information, amino acid conservation, physicochemical variation, residue mobility, and thermodynamic stability) indicates that this missense variant is expected to disrupt FBP1 protein function with a positive predictive value of 95%. For these reasons, this variant has been classified as Pathogenic.

3billion
Classification: Pathogenic for Fructose-biphosphatase deficiency. Last evaluated: 2023-12-02. Review status: criteria provided, single submitter. Criteria: ACMG Guidelines, 2015. Collection method: clinical testing. Allele origin: germline. Affected: yes.
Comment: The variant is observed at an extremely low frequency in the gnomAD v2.1.1 dataset (total allele frequency: 0.003%). Predicted Consequence/Location: Missense variant In silico tool predictions suggest damaging effect of the variant on gene or gene product [REVEL: 0.78 (>=0.6, sensitivity 0.68 and specificity 0.92); 3Cnet: 0.64 (>=0.6, sensitivity 0.72 and precision 0.9)]. Same nucleotide change resulting in same amino acid change has been previously reported as pathogenic/likely pathogenic with strong evidence (ClinVar ID: VCV000561988 /PMID: 25601412).The variant has been reported to be in trans with a pathogenic variant as either compound heterozygous or homozygous in at least one similarly affected unrelated individual (PMID: 29203193, 29774539). Therefore, this variant is classified as Pathogenic according to the recommendation of ACMG/AMP guideline.

Women's Health and Genetics/Laboratory Corporation of America, LabCorp
Classification: Pathogenic for Fructose-biphosphatase deficiency. Last evaluated: 2023-11-24. Review status: criteria provided, single submitter. Criteria: LabCorp Variant Classification Summary - May 2015. Collection method: clinical testing. Allele origin: germline.
Comment: Variant summary: FBP1 c.472C>T (p.Arg158Trp) results in a non-conservative amino acid change to a highly conserved residue (HGMD) located in the Fructose-1-6-bisphosphatase class I, N-terminal (IPR033391) of the encoded protein sequence. Five of five in-silico tools predict a damaging effect of the variant on protein function. The variant allele was found at a frequency of 3.2e-05 in 250548 control chromosomes (gnomAD). c.472C>T has been reported in the literature in multiple individuals affected with Fructose-biphosphatase deficiency (Lebigot_2015, Bhai_2018, Cheema_2020), and at least one was reported as compound heterozygous with a truncating variant. These data indicate that the variant is very likely to be associated with disease. At least one publication reports experimental evidence evaluating an impact on protein function, finding that the variant results in a loss of enzymatic activity (Sakuma_2023). The following publications have been ascertained in the context of this evaluation (PMID: 25601412, 29774539, 33083013, 37507476). Two submitters have cited clinical-significance assessments for this variant to ClinVar after 2014. Both submitters classified the variant as pathogenic. Based on the evidence outlined above, the variant was classified as pathogenic.

Mayo Clinic Laboratories, Mayo Clinic
Classification: Pathogenic. Last evaluated: 2022-06-02. Review status: criteria provided, single submitter. Criteria: ACMG Guidelines, 2015. Collection method: clinical testing. Allele origin: germline. Observed: 1 variant allele.
Comment: PP3, PP4, PM2, PM3, PS4

Mendelics
Classification: Pathogenic for Fructose-biphosphatase deficiency. Last evaluated: 2019-05-28. Review status: criteria provided, single submitter. Criteria: Mendelics Assertion Criteria 2017. Collection method: clinical testing. Allele origin: unknown.

Institute of Medical Genetics and Genomics, Sir Ganga Ram Hospital
Classification: Pathogenic for Fructose-biphosphatase deficiency. Last evaluated: 2013-07-11. Review status: criteria provided, single submitter. Criteria: Submitterâ€™s publication. Collection method: clinical testing. Allele origin: inherited. Affected: yes. Observed: 4 variant alleles.

CENTOGENE GmbH and LLC - Guiding Precision Medicine
Classification: Pathogenic for Fructose-1,6-bisphosphatase deficiency. Review status: criteria provided, single submitter. Criteria: ACMG Guidelines, 2015. Collection method: clinical testing. Allele origin: germline. Affected: yes.

Literature cited by the submitters: PubMed 25601412 (cited by 4 submitters); PubMed 29203193 (cited by 3 submitters); PubMed 29774539 (cited by 4 submitters); PubMed 33083013 (cited by Women's Health and Genetics/Laboratory Corporation of America, LabCorp and Mayo Clinic Laboratories, Mayo Clinic); PubMed 37507476 (cited by Women's Health and Genetics/Laboratory Corporation of America, LabCorp); PubMed 29016355 (cited by Mayo Clinic Laboratories, Mayo Clinic); PubMed 31584309 (cited by Mayo Clinic Laboratories, Mayo Clinic); PubMed 33730438 (cited by Mayo Clinic Laboratories, Mayo Clinic).